The following is an entry in ClinVar:

NM_002539.3(ODC1):c.1064dup (p.Trp356fs)

Gene: ODC1 (ornithine decarboxylase 1; minus strand). Cytogenetic location: 2p25.1.
Variant type: Duplication.
Coding change: c.1064dup on transcript NM_002539.3 (MANE Select); coding-DNA position 1064, one base duplicated (T; older notation c.1064dupT).
Protein change: p.Trp356fs; shifts the reading frame from tryptophan 356.
Molecular consequence: frameshift variant.
Genome position (GRCh38, 1-based): chr2:10,441,686, A duplicated on the plus strand (T on the coding strand, the reverse complement: ODC1 is on the minus strand). VCF-style (leftmost placement, unchanged base first): chr2-10441685-T-TA. GRCh37 (hg19) VCF-style: chr2-10581811-T-TA.
Other names: c.677dup, p.Trp227fs (NM_001287188.2); c.1064dup, p.Trp356fs (NM_001287189.2, NM_001287190.2); short protein forms W227fs, W356fs.
Identifiers: ClinVar variation 3767967 (VCV003767967.1).

ClinVar aggregate classification (germline): Likely pathogenic (1 of 4 stars; one submission).

Conditions:
Neurodevelopmental disorder with alopecia and brain abnormalities. Also called: Bachmann-Bupp syndrome; Global developmental delay-alopecia-macrocephaly-facial dysmorphism-structural brain anomalies syndrome. Identifiers: Orphanet 544488, MedGen C5436741, MONDO:0033642, OMIM 619075.

Submission:

Diagnostics Services (NGS), CSIR - Centre For Cellular And Molecular Biology
Classification: Likely pathogenic for Neurodevelopmental disorder with alopecia and brain abnormalities. Last evaluated: 2025-02-05. Review status: criteria provided, single submitter. Criteria: ACMG Guidelines, 2015. Collection method: clinical testing. Allele origin: unknown. Observed: 1 variant allele, 1 heterozygote.
Comment: The c.1064dup variant is not present in 1000 Genomes, gnomAD, EVS, ExAC, Indian Exome Database or our in-house exome database. This variant has neither been published in literature in individuals affected with ODC1-related conditions nor reported to the HGMD, ClinVar or OMIM databases, in any affected individuals. In-silico pathogenicity prediction programs like MutationTaster2021, CADD, Franklin, Varsome etc predicted this variant to be likely deleterious This variant causes frameshift at the 356th amino acid position of the wild-type transcript which creates a premature translational stop signal at the altered transcript that may either result in translation of a truncated protein or cause nonsense mediated decay of the mRNA.